The following is an entry in ClinVar:

ClinVar aggregate classification (germline): Uncertain significance. Review status: criteria provided, multiple submitters, no conflicts (2 of 4 stars). 2 submissions from 2 submitters: Uncertain significance (2). Last evaluated 2026-04-07.

Allele frequency attached by ClinVar (database versions not stated): gnomAD exomes below 0.00001.
gnomAD v4.1: 1 of 1,613,984 alleles (0.000062%); highest among the groups gnomAD compares: Non-Finnish European, 0.000085%; no homozygotes.

Submissions (2):

GeneDx
Classification: Uncertain significance. Last evaluated: 2026-04-07. Review status: criteria provided, single submitter. Criteria: GeneDx Variant Classification Process June 2021. Collection method: clinical testing. Allele origin: germline.
Comment: Not observed at significant frequency in large population cohorts (gnomAD); In silico analysis supports that this missense variant has a deleterious effect on protein structure/function; Has not been previously published as pathogenic or benign to our knowledge

Labcorp Genetics (formerly Invitae), Labcorp
Classification: Uncertain significance. Last evaluated: 2021-08-28. Review status: criteria provided, single submitter. Criteria: Invitae Variant Classification Sherloc (09022015). Collection method: clinical testing. Allele origin: germline.
Comment: This variant is not present in population databases (ExAC no frequency). In summary, the available evidence is currently insufficient to determine the role of this variant in disease. Therefore, it has been classified as a Variant of Uncertain Significance. Algorithms developed to predict the effect of missense changes on protein structure and function are either unavailable or do not agree on the potential impact of this missense change (SIFT: "Tolerated"; PolyPhen-2: "Probably Damaging"; Align-GVGD: "Class C0"). This variant has not been reported in the literature in individuals with SCN3A-related conditions. This sequence change replaces threonine with isoleucine at codon 399 of the SCN3A protein (p.Thr399Ile). The threonine residue is highly conserved and there is a moderate physicochemical difference between threonine and isoleucine.

NM_006922.4(SCN3A):c.1196C>T (p.Thr399Ile)

Gene: SCN3A (sodium voltage-gated channel alpha subunit 3; minus strand). Cytogenetic location: 2q24.3.
Variant type: single nucleotide variant.
Coding change: c.1196C>T on transcript NM_006922.4 (MANE Select); coding-DNA position 1196, C replaced by T.
Protein change: p.Thr399Ile; replaces threonine 399 with isoleucine.
Molecular consequence: missense variant.
Genome position (GRCh38, 1-based): chr2:165,154,636, G>A on the plus strand (C>T on the coding strand, the complement: SCN3A is on the minus strand). VCF-style: chr2-165154636-G-A. GRCh37 (hg19) VCF-style: chr2-166011146-G-A.
Other names: c.1196C>T, p.Thr399Ile (NM_001081676.2, NM_001081677.2); c.1196C>T (NM_006922.3); short protein forms T399I.
Identifiers: ClinVar variation 1370177 (VCV001370177.10), dbSNP rs2105861903, ClinGen allele CA349238287.